The following is an entry in ClinVar:

NM_004168.4(SDHA):c.1589G>C (p.Ser530Thr)

Gene: SDHA (succinate dehydrogenase complex flavoprotein subunit A; plus strand). Cytogenetic location: 5p15.33.
Variant type: single nucleotide variant.
Coding change: c.1589G>C on transcript NM_004168.4 (MANE Select); coding-DNA position 1589, G replaced by C.
Protein change: p.Ser530Thr; replaces serine 530 with threonine.
Molecular consequence: missense variant. On other transcripts: intron variant (1).
Genome position (GRCh38, 1-based): chr5:251,029, G>C. VCF-style: chr5-251029-G-C. GRCh37 (hg19) VCF-style: chr5-251144-G-C.
Other names: c.1445G>C, p.Ser482Thr (NM_001294332.2); c.1552-3364G>C (NM_001330758.2); short protein forms S482T, S530T.
Identifiers: ClinVar variation 3754205 (VCV003754205.2).

ClinVar aggregate classification (germline): Uncertain significance (1 of 4 stars; one submission).

Conditions:
Mitochondrial complex II deficiency, nuclear type 1. Also called: SUCCINATE CoQ REDUCTASE DEFICIENCY. Identifiers: Orphanet 3208, MedGen C5700310, MONDO:0100294, OMIM 252011.
Pheochromocytoma/paraganglioma syndrome 5. Also called: Paragangliomas 5; SDHA-Related Hereditary Paraganglioma-Pheochromocytoma Syndrome. Identifiers: Orphanet 29072, MedGen C3279992, MONDO:0013602, OMIM 614165.

Submission:

Labcorp Genetics (formerly Invitae), Labcorp
Classification: Uncertain significance for Pheochromocytoma/paraganglioma syndrome 5; Mitochondrial complex II deficiency, nuclear type 1. Last evaluated: 2024-09-23. Review status: criteria provided, single submitter. Criteria: Invitae Variant Classification Sherloc (09022015). Collection method: clinical testing. Allele origin: germline.
Comment: This sequence change replaces serine, which is neutral and polar, with threonine, which is neutral and polar, at codon 530 of the SDHA protein (p.Ser530Thr). This variant is not present in population databases (gnomAD no frequency). This variant has not been reported in the literature in individuals affected with SDHA-related conditions. Invitae Evidence Modeling of protein sequence and biophysical properties (such as structural, functional, and spatial information, amino acid conservation, physicochemical variation, residue mobility, and thermodynamic stability) indicates that this missense variant is not expected to disrupt SDHA protein function with a negative predictive value of 95%. In summary, the available evidence is currently insufficient to determine the role of this variant in disease. Therefore, it has been classified as a Variant of Uncertain Significance.